The following is an entry in ClinVar:

ClinVar aggregate classification (germline): Uncertain significance (1 of 4 stars; one submission).

Allele frequency attached by ClinVar (database versions not stated): gnomAD 0.00001.
gnomAD v4.1: 1 of 1,614,052 alleles (0.000062%); highest among the groups gnomAD compares: African/African-American, 0.0013%; no homozygotes.

Submission:

Labcorp Genetics (formerly Invitae), Labcorp
Classification: Uncertain significance. Last evaluated: 2024-06-24. Review status: criteria provided, single submitter. Criteria: Invitae Variant Classification Sherloc (09022015). Collection method: clinical testing. Allele origin: germline.
Comment: This sequence change replaces tryptophan, which is neutral and slightly polar, with arginine, which is basic and polar, at codon 1236 of the POLE protein (p.Trp1236Arg). This variant is not present in population databases (gnomAD no frequency). This variant has not been reported in the literature in individuals affected with POLE-related conditions. ClinVar contains an entry for this variant (Variation ID: 1004131). Advanced modeling of protein sequence and biophysical properties (such as structural, functional, and spatial information, amino acid conservation, physicochemical variation, residue mobility, and thermodynamic stability) performed at Invitae indicates that this missense variant is not expected to disrupt POLE protein function with a negative predictive value of 80%. In summary, the available evidence is currently insufficient to determine the role of this variant in disease. Therefore, it has been classified as a Variant of Uncertain Significance.

NM_006231.4(POLE):c.3706T>C (p.Trp1236Arg)

Gene: POLE (DNA polymerase epsilon, catalytic subunit; minus strand). Cytogenetic location: 12q24.33.
Variant type: single nucleotide variant.
Coding change: c.3706T>C on transcript NM_006231.4 (MANE Select); coding-DNA position 3706, T replaced by C.
Protein change: p.Trp1236Arg; replaces tryptophan 1236 with arginine.
Molecular consequence: missense variant.
Genome position (GRCh38, 1-based): chr12:132,649,766, A>G on the plus strand (T>C on the coding strand, the complement: POLE is on the minus strand). VCF-style: chr12-132649766-A-G. GRCh37 (hg19) VCF-style: chr12-133226352-A-G.
Other names: short protein forms W1236R.
Identifiers: ClinVar variation 1004131 (VCV001004131.8), dbSNP rs2042379549, ClinGen allele CA387386473.
Genomic context (GRCh38, chr12:132,649,766, plus strand): 5'-CCAAGATTTCCTGCCAGGGCACAGTCGGCGTGAGGTCCTGGGACTCCTCCTGGCTCTCCC[A>G]AAGAACTCGCTTCCTCTTCACAGTGACAGGGGCTGCTGGGTGAGGCAGCTTTACGAGGCC-3'
Protein context (NP_006222.2, residues 1226-1246): PVTVKRKRVL[Trp1236Arg]ESQEESQDLT